The following is an entry in ClinVar:

ClinVar aggregate classification (germline): Benign. Review status: reviewed by expert panel (3 of 4 stars). 3 submissions from 3 submitters: Benign (1). 2 of the submissions do not count toward it. Last evaluated 2015-01-12.

Conditions:
Breast-ovarian cancer, familial, susceptibility to, 2 (BROVCA2). Also called: BRCA2 Hereditary Breast and Ovarian Cancer. Identifiers: Orphanet 145, MedGen C2675520, MONDO:0012933, OMIM 612555. Disease mechanism: loss of function.

Allele frequency attached by ClinVar (database versions not stated): gnomAD exomes 0.00029 and 0.00094; ExAC 0.00123; gnomAD 0.00317 and 0.00332; ESP Exome Variant Server 0.00331; TOPMed 0.00356; 1000 Genomes Project 30x 0.00531; 1000 Genomes Project 0.00599.
gnomAD v4.1: 904 of 1,568,628 alleles (0.058%); highest among the groups gnomAD compares: African/African-American, 1.1%; 2 homozygotes.

Submissions (3):

Evidence-based Network for the Interpretation of Germline Mutant Alleles (ENIGMA)
Classification: Benign for Breast-ovarian cancer, familial 2. Last evaluated: 2015-01-12. Review status: reviewed by expert panel. Criteria: ENIGMA BRCA1/2 Classification Criteria (2015). Collection method: curation. Allele origin: germline.
Comment: Class 1 not pathogenic based on frequency >1% in an outbred sampleset. Frequency 0.01016 (African), derived from 1000 genomes (2012-04-30).

GeneDx
Classification: Likely benign. Last evaluated: 2018-06-23. Review status: criteria provided, single submitter. Criteria: GeneDx Variant Classification Process June 2021. Collection method: clinical testing. Allele origin: germline. Affected: yes. Not counted in ClinVar's aggregate classification.

Molecular Genetics Laboratory, University of Michigan
Classification: Benign for Breast-ovarian cancer, familial, susceptibility to, 2. Last evaluated: 2014-11-03. Review status: criteria provided, single submitter. Criteria: ACMG Guidelines, 2015. Collection method: clinical testing. Allele origin: germline. Affected: yes. Not counted in ClinVar's aggregate classification.

NM_000059.4(BRCA2):c.1910-43T>C

Gene: BRCA2 (BRCA2 DNA repair associated; plus strand). Cytogenetic location: 13q13.1.
Variant type: single nucleotide variant.
Coding change: c.1910-43T>C on transcript NM_000059.4 (MANE Select); 43 bases into the intron before coding-DNA position 1910, T replaced by C.
Molecular consequence: intron variant.
Genome position (GRCh38, 1-based): chr13:32,336,222, T>C. VCF-style: chr13-32336222-T-C. GRCh37 (hg19) VCF-style: chr13-32910359-T-C.
Other names: IVS 10-43T>C.
Identifiers: ClinVar variation 209689 (VCV000209689.5), dbSNP rs116486565, ClinGen allele CA276658.